The following is an entry in ClinVar:

ClinVar aggregate classification (germline): Uncertain significance (1 of 4 stars; one submission).

Conditions:
Emery-Dreifuss muscular dystrophy (EDMD). Also called: Scapuloperoneal syndrome, X-linked (formerly); Humeroperoneal neuromuscular disease, (formerly). Identifiers: Orphanet 261, MedGen C0410189, MONDO:0016830.

Submission:

Labcorp Genetics (formerly Invitae), Labcorp
Classification: Uncertain significance for Emery-Dreifuss muscular dystrophy. Last evaluated: 2022-03-12. Review status: criteria provided, single submitter. Criteria: Invitae Variant Classification Sherloc (09022015). Collection method: clinical testing. Allele origin: germline.
Comment: In summary, the available evidence is currently insufficient to determine the role of this variant in disease. Therefore, it has been classified as a Variant of Uncertain Significance. This sequence change replaces phenylalanine, which is neutral and non-polar, with leucine, which is neutral and non-polar, at codon 777 of the SUN1 protein (p.Phe777Leu). This variant is not present in population databases (gnomAD no frequency). This variant has not been reported in the literature in individuals affected with SUN1-related conditions. Algorithms developed to predict the effect of missense changes on protein structure and function are either unavailable or do not agree on the potential impact of this missense change (SIFT: "Tolerated"; PolyPhen-2: "Probably Damaging"; Align-GVGD: "Class C0").

NM_001130965.3(SUN1):c.2331C>A (p.Phe777Leu)

Gene: SUN1 (Sad1 and UNC84 domain containing 1; plus strand). Cytogenetic location: 7p22.3.
Variant type: single nucleotide variant.
Coding change: c.2331C>A on transcript NM_001130965.3 (MANE Select); coding-DNA position 2331, C replaced by A.
Protein change: p.Phe777Leu; replaces phenylalanine 777 with leucine.
Molecular consequence: missense variant. On other transcripts: 3 prime UTR variant (1), non-coding transcript variant (3).
Genome position (GRCh38, 1-based): chr7:873,304, C>A. VCF-style: chr7-873304-C-A. GRCh37 (hg19) VCF-style: chr7-912941-C-A.
Other names: c.2523C>A, p.Phe841Leu (NM_001367643.1); c.2262C>A, p.Phe754Leu (NM_001367644.1); c.2379C>A, p.Phe793Leu (NM_001367645.1, NM_001367681.1); c.2460C>A, p.Phe820Leu (NM_001367646.1, NM_001367707.1); c.2280C>A, p.Phe760Leu (NM_001367647.1); c.2193C>A, p.Phe731Leu (NM_001367648.1); c.2376C>A, p.Phe792Leu (NM_001367649.1); c.2745C>A, p.Phe915Leu (NM_001367651.1); and 56 more; short protein forms F745L, F764L, F793L, F804L, F811L, F813L, F826L, F838L.
Identifiers: ClinVar variation 2084587 (VCV002084587.4), dbSNP rs1435593320, ClinGen allele CA366537237.